The following is an entry in ClinVar:

ClinVar aggregate classification (germline): Uncertain significance (1 of 4 stars; one submission).

Submission:

Ambry Genetics
Classification: Uncertain significance. Last evaluated: 2026-01-14. Review status: criteria provided, single submitter. Criteria: Ambry Variant Classification Scheme 2023. Collection method: clinical testing. Allele origin: germline.
Comment: The p.E430K variant (also known as c.1288G>A), located in coding exon 7 of the GALNT12 gene, results from a G to A substitution at nucleotide position 1288. The glutamic acid at codon 430 is replaced by lysine, an amino acid with similar properties. This amino acid position is conserved. In addition, this alteration is predicted to be tolerated by in silico analysis. Based on the available evidence, the clinical significance of this variant remains unclear.

NM_024642.5(GALNT12):c.1288G>A (p.Glu430Lys)

Gene: GALNT12 (polypeptide N-acetylgalactosaminyltransferase 12; plus strand). Cytogenetic location: 9q22.33.
Variant type: single nucleotide variant.
Coding change: c.1288G>A on transcript NM_024642.5 (MANE Select); coding-DNA position 1288, G replaced by A.
Protein change: p.Glu430Lys; replaces glutamic acid 430 with lysine.
Molecular consequence: missense variant.
Genome position (GRCh38, 1-based): chr9:98,840,077, G>A. VCF-style: chr9-98840077-G-A. GRCh37 (hg19) VCF-style: chr9-101602359-G-A.
Other names: short protein forms E430K.
Identifiers: ClinVar variation 4831822 (VCV004831822.1).